The following is an entry in ClinVar:

ClinVar aggregate classification (germline): Uncertain significance (1 of 4 stars; one submission).

gnomAD v4.1: 4 of 1,614,082 alleles (0.00025%); highest among the groups gnomAD compares: South Asian, 0.0022%; no homozygotes.

Submission:

Labcorp Genetics (formerly Invitae), Labcorp
Classification: Uncertain significance. Last evaluated: 2024-10-29. Review status: criteria provided, single submitter. Criteria: Invitae Variant Classification Sherloc (09022015). Collection method: clinical testing. Allele origin: germline.
Comment: This sequence change replaces asparagine, which is neutral and polar, with serine, which is neutral and polar, at codon 1457 of the LRP2 protein (p.Asn1457Ser). This variant is not present in population databases (gnomAD no frequency). This variant has not been reported in the literature in individuals affected with LRP2-related conditions. Invitae Evidence Modeling of protein sequence and biophysical properties (such as structural, functional, and spatial information, amino acid conservation, physicochemical variation, residue mobility, and thermodynamic stability) indicates that this missense variant is not expected to disrupt LRP2 protein function with a negative predictive value of 95%. In summary, the available evidence is currently insufficient to determine the role of this variant in disease. Therefore, it has been classified as a Variant of Uncertain Significance.

NM_004525.3(LRP2):c.4370A>G (p.Asn1457Ser)

Gene: LRP2 (LDL receptor related protein 2; minus strand). Cytogenetic location: 2q31.1.
Variant type: single nucleotide variant.
Coding change: c.4370A>G on transcript NM_004525.3 (MANE Select); coding-DNA position 4370, A replaced by G.
Protein change: p.Asn1457Ser; replaces asparagine 1457 with serine.
Molecular consequence: missense variant.
Genome position (GRCh38, 1-based): chr2:169,238,227, T>C on the plus strand (A>G on the coding strand, the complement: LRP2 is on the minus strand). VCF-style: chr2-169238227-T-C. GRCh37 (hg19) VCF-style: chr2-170094737-T-C.
Other names: short protein forms N1457S.
Identifiers: ClinVar variation 3680155 (VCV003680155.1).
Genomic context (GRCh38, chr2:169,238,227, plus strand): 5'-CTAATTGAATCAAAATCAACAGCTACAATGTAAGAACCATTCTCGACCAATGAATAGATA[T>C]TGTGGACCTGGGAGGTGACACTGTCGGCAATAATTTTGTTCTGACTTGCCACAAGTAACA-3'
Protein context (NP_004516.2, residues 1447-1467): IADSVTSQVH[Asn1457Ser]IYSLVENGSY